The following is an entry in ClinVar:

NM_001009944.3(PKD1):c.7065+1G>C

Gene: PKD1 (polycystin 1, transient receptor potential channel interacting; minus strand). Cytogenetic location: 16p13.3.
Variant type: single nucleotide variant.
Coding change: c.7065+1G>C on transcript NM_001009944.3 (MANE Select); the canonical splice donor site of the intron after coding-DNA position 7065, G replaced by C.
Molecular consequence: splice donor variant.
Genome position (GRCh38, 1-based): chr16:2,107,882, C>G on the plus strand (G>C on the coding strand, the complement: PKD1 is on the minus strand). VCF-style: chr16-2107882-C-G. GRCh37 (hg19) VCF-style: chr16-2157883-C-G.
Other names: c.7065+1G>C (NM_000296.4).
Identifiers: ClinVar variation 3252585 (VCV003252585.1), dbSNP rs2151783532.
Genomic context (GRCh38, chr16:2,107,882, plus strand): 5'-GTAGATGACCAGGGAGGCTGGGCTGTCCAAGGCAAGTGGCCGAGGGGCGGGCGGCACCCA[C>G]CGTCTGGTTGGTGGCCTCCTCCTTGCGGCCGGCCTTCCACACGGTCAGGCTGAAGGTGTA-3'

ClinVar aggregate classification (germline): Likely pathogenic (1 of 4 stars; one submission).

Submission:

GeneDx
Classification: Likely pathogenic. Last evaluated: 2023-07-06. Review status: criteria provided, single submitter. Criteria: GeneDx Variant Classification Process June 2021. Collection method: clinical testing. Allele origin: germline. Affected: yes.
Comment: Canonical splice site variant predicted to result in an in-frame loss of the adjacent exon in a gene for which loss of function is a known mechanism of disease; Not observed in large population cohorts (gnomAD); This variant is associated with the following publications: (PMID: 25525159, 11967008)